The following is an entry in ClinVar:

NM_001165963.4(SCN1A):c.*774G>A

Genes: SCN1A (sodium voltage-gated channel alpha subunit 1; minus strand), LOC102724058 (uncharacterized LOC102724058; plus strand). Cytogenetic location: 2q24.3.
Variant type: single nucleotide variant.
Coding change: c.*774G>A on transcript NM_001165963.4 (MANE Select); 774 bases downstream of the stop codon, G replaced by A.
Molecular consequence: 3 prime UTR variant. On other transcripts: non-coding transcript variant (1).
Genome position (GRCh38, 1-based): chr2:165,990,471, C>T on the plus strand (G>A on the coding strand, the complement: SCN1A is on the minus strand). VCF-style: chr2-165990471-C-T. GRCh37 (hg19) VCF-style: chr2-166846981-C-T.
Other names: c.*774G>A (NM_001165964.3, NM_001202435.3, NM_001353948.2 and 11 more transcripts).
Identifiers: ClinVar variation 894763 (VCV000894763.28), dbSNP rs570379164, ClinGen allele CA59797179.

ClinVar aggregate classification (germline): Conflicting classifications of pathogenicity. Review status: criteria provided, conflicting classifications (1 of 4 stars). 3 submissions from 2 submitters: Uncertain significance (2); Likely benign (1). Last evaluated 2023-10-01.

Conditions:
Generalized epilepsy with febrile seizures plus, type 2 (GEFSP2). Also called: GEFS+, TYPE 2. Identifiers: Orphanet 36387, MedGen C1858673, MONDO:0011461, OMIM 604403.
Migraine, familial hemiplegic, 3. Identifiers: Orphanet 569, MedGen C1864987, MONDO:0012320, OMIM 609634.

Allele frequency attached by ClinVar (database versions not stated): gnomAD 0.00047 and 0.00054; TOPMed 0.00049.

Submissions (3):

CeGaT Center for Human Genetics Tuebingen
Classification: Likely benign. Last evaluated: 2023-10-01. Review status: criteria provided, single submitter. Criteria: CeGaT Center For Human Genetics Tuebingen Variant Classification Criteria Version 2. Collection method: clinical testing. Allele origin: germline. Affected: yes. Observed: 4 variant alleles.
Comment: SCN1A: BS1

Illumina Laboratory Services, Illumina
Classification: Uncertain significance for Generalized epilepsy with febrile seizures plus, type 2. Last evaluated: 2018-01-13. Review status: criteria provided, single submitter. Criteria: ICSL Variant Classification Criteria 13 December 2019. Collection method: clinical testing. Allele origin: germline.

Illumina Laboratory Services, Illumina
Classification: Uncertain significance for Migraine, familial hemiplegic, 3. Last evaluated: 2018-01-13. Review status: criteria provided, single submitter. Criteria: ICSL Variant Classification Criteria 13 December 2019. Collection method: clinical testing. Allele origin: germline.